The following is an entry in ClinVar:

NM_000482.4(APOA4):c.910C>T (p.Arg304Ter)

Gene: APOA4 (apolipoprotein A4; minus strand). Cytogenetic location: 11q23.3.
Variant type: single nucleotide variant.
Coding change: c.910C>T on transcript NM_000482.4 (MANE Select); coding-DNA position 910, C replaced by T.
Protein change: p.Arg304Ter; replaces arginine 304 with a stop codon.
Molecular consequence: nonsense.
Genome position (GRCh38, 1-based): chr11:116,821,148, G>A on the plus strand (C>T on the coding strand, the complement: APOA4 is on the minus strand). VCF-style: chr11-116821148-G-A. GRCh37 (hg19) VCF-style: chr11-116691864-G-A.
Other names: short protein forms R304*.
Identifiers: ClinVar variation 1470614 (VCV001470614.6), dbSNP rs781747963, ClinGen allele CA6289285.

ClinVar aggregate classification (germline): Uncertain significance (1 of 4 stars; one submission).

Allele frequency attached by ClinVar (database versions not stated): TOPMed 0.00006; ExAC 0.00007; gnomAD exomes 0.00007 and 0.00010; gnomAD 0.00009 and 0.00010.

Submission:

Labcorp Genetics (formerly Invitae), Labcorp
Classification: Uncertain significance. Last evaluated: 2026-01-26. Review status: criteria provided, single submitter. Criteria: Invitae Variant Classification Sherloc (09022015). Collection method: clinical testing. Allele origin: germline.
Comment: This sequence change creates a premature translational stop signal (p.Arg304*) in the APOA4 gene. While this is not anticipated to result in nonsense mediated decay, it is expected to disrupt the last 93 amino acid(s) of the APOA4 protein. This variant is present in population databases (rs781747963, gnomAD 0.05%). This variant has not been reported in the literature in individuals affected with APOA4-related conditions. ClinVar contains an entry for this variant (Variation ID: 1470614). Experimental studies and prediction algorithms are not available or were not evaluated, and the functional significance of this variant is currently unknown. In summary, the available evidence is currently insufficient to determine the role of this variant in disease. Therefore, it has been classified as a Variant of Uncertain Significance.